The following is an entry in ClinVar:

ClinVar aggregate classification (germline): Uncertain significance (1 of 4 stars; one submission).

Submission:

Labcorp Genetics (formerly Invitae), Labcorp
Classification: Uncertain significance. Last evaluated: 2022-11-08. Review status: criteria provided, single submitter. Criteria: Invitae Variant Classification Sherloc (09022015). Collection method: clinical testing. Allele origin: germline.
Comment: This variant has not been reported in the literature in individuals affected with SLC24A1-related conditions. This variant is not present in population databases (gnomAD no frequency). This sequence change replaces valine, which is neutral and non-polar, with phenylalanine, which is neutral and non-polar, at codon 925 of the SLC24A1 protein (p.Val925Phe). Algorithms developed to predict the effect of missense changes on protein structure and function are either unavailable or do not agree on the potential impact of this missense change (SIFT: "Deleterious"; PolyPhen-2: "Possibly Damaging"; Align-GVGD: "Class C0"). In summary, the available evidence is currently insufficient to determine the role of this variant in disease. Therefore, it has been classified as a Variant of Uncertain Significance.

NM_004727.3(SLC24A1):c.2773G>T (p.Val925Phe)

Gene: SLC24A1 (solute carrier family 24 member 1; plus strand). Cytogenetic location: 15q22.31.
Variant type: single nucleotide variant.
Coding change: c.2773G>T on transcript NM_004727.3 (MANE Select); coding-DNA position 2773, G replaced by T.
Protein change: p.Val925Phe; replaces valine 925 with phenylalanine.
Molecular consequence: missense variant.
Genome position (GRCh38, 1-based): chr15:65,650,922, G>T. VCF-style: chr15-65650922-G-T. GRCh37 (hg19) VCF-style: chr15-65943260-G-T.
Other names: c.754G>T, p.Val252Phe (NM_001254740.2); c.2773G>T, p.Val925Phe (NM_001301031.1); c.2719G>T, p.Val907Phe (NM_001301032.1, NM_001301033.2); c.2431G>T, p.Val811Phe (NM_001411142.1); short protein forms V252F, V907F, V925F, V811F.
Identifiers: ClinVar variation 2006839 (VCV002006839.4), dbSNP rs2548427373, ClinGen allele CA392900530.